The following is an entry in ClinVar:

NM_138694.4(PKHD1):c.3536A>G (p.Asn1179Ser)

Gene: PKHD1 (PKHD1 ciliary IPT domain containing fibrocystin/polyductin; minus strand). Cytogenetic location: 6p12.2.
Variant type: single nucleotide variant.
Coding change: c.3536A>G on transcript NM_138694.4 (MANE Select); coding-DNA position 3536, A replaced by G.
Protein change: p.Asn1179Ser; replaces asparagine 1179 with serine.
Molecular consequence: missense variant.
Genome position (GRCh38, 1-based): chr6:52,028,180, T>C on the plus strand (A>G on the coding strand, the complement: PKHD1 is on the minus strand). VCF-style: chr6-52028180-T-C. GRCh37 (hg19) VCF-style: chr6-51892978-T-C.
Other names: c.3536A>G, p.Asn1179Ser (NM_170724.3); short protein forms N1179S.
Identifiers: ClinVar variation 406890 (VCV000406890.6), dbSNP rs747233443, ClinGen allele CA3852917.

ClinVar aggregate classification (germline): Uncertain significance. Review status: criteria provided, multiple submitters, no conflicts (2 of 4 stars). 3 submissions from 3 submitters: Uncertain significance (2). 1 of the submissions does not count toward it. Last evaluated 2022-04-04.

Conditions:
Polycystic kidney disease 4 (PKD4). Also called: PKD3; POLYCYSTIC KIDNEY DISEASE 4 WITH OR WITHOUT POLYCYSTIC LIVER DISEASE; Autosomal Recessive Polycystic Kidney Disease – PKHD1; POLYCYSTIC KIDNEY AND HEPATIC DISEASE 1; POLYCYSTIC KIDNEY DISEASE, INFANTILE, TYPE I. Identifiers: MedGen C4540575, MONDO:0033004, OMIM 263200.
Autosomal recessive polycystic kidney disease (ARPKD). Also called: AR polycystic kidney disease. Identifiers: Orphanet 731, Orphanet 8378, MedGen C0085548, MeSH D017044, MONDO:0009889.

Allele frequency attached by ClinVar (database versions not stated): ExAC 0.00001; gnomAD exomes 0.00001; TOPMed 0.00001.
gnomAD v4.1: 21 of 1,614,224 alleles (0.0013%); highest among the groups gnomAD compares: Non-Finnish European, 0.0014%; no homozygotes.

Submissions (3):

Fulgent Genetics
Classification: Uncertain significance for Polycystic kidney disease 4. Last evaluated: 2022-04-04. Review status: criteria provided, single submitter. Criteria: ACMG Guidelines, 2015. Collection method: clinical testing. Allele origin: unknown.

Labcorp Genetics (formerly Invitae), Labcorp
Classification: Uncertain significance for Autosomal recessive polycystic kidney disease. Last evaluated: 2022-03-03. Review status: criteria provided, single submitter. Criteria: Invitae Variant Classification Sherloc (09022015). Collection method: clinical testing. Allele origin: germline.
Comment: This sequence change replaces asparagine, which is neutral and polar, with serine, which is neutral and polar, at codon 1179 of the PKHD1 protein (p.Asn1179Ser). This variant is present in population databases (rs747233443, gnomAD 0.003%). This variant has not been reported in the literature in individuals affected with PKHD1-related conditions. ClinVar contains an entry for this variant (Variation ID: 406890). Advanced modeling of protein sequence and biophysical properties (such as structural, functional, and spatial information, amino acid conservation, physicochemical variation, residue mobility, and thermodynamic stability) performed at Invitae indicates that this missense variant is not expected to disrupt PKHD1 protein function. Algorithms developed to predict the effect of sequence changes on RNA splicing suggest that this variant may create or strengthen a splice site. In summary, the available evidence is currently insufficient to determine the role of this variant in disease. Therefore, it has been classified as a Variant of Uncertain Significance.

Natera, Inc.
Classification: Uncertain significance for Autosomal recessive polycystic kidney disease. Last evaluated: 2020-09-16. Review status: no assertion criteria provided. Collection method: clinical testing. Allele origin: germline. Not counted in ClinVar's aggregate classification.